The following is an entry in ClinVar:

ClinVar aggregate classification (germline): Uncertain significance (1 of 4 stars; one submission).

gnomAD v4.1: 13 of 1,612,648 alleles (0.00081%); highest among the groups gnomAD compares: South Asian, 0.0033%; no homozygotes.

Submission:

GeneDx
Classification: Uncertain significance. Last evaluated: 2024-03-27. Review status: criteria provided, single submitter. Criteria: GeneDx Variant Classification Process June 2021. Collection method: clinical testing. Allele origin: germline. Affected: yes.
Comment: Not observed at significant frequency in large population cohorts (gnomAD); In silico analysis supports that this missense variant has a deleterious effect on protein structure/function; Has not been previously published as pathogenic or benign to our knowledge

NM_020442.6(VARS2):c.1316G>A (p.Arg439Gln)

Gene: VARS2 (valyl-tRNA synthetase 2, mitochondrial; plus strand). Cytogenetic location: 6p21.33.
Variant type: single nucleotide variant.
Coding change: c.1316G>A on transcript NM_020442.6 (MANE Select); coding-DNA position 1316, G replaced by A.
Protein change: p.Arg439Gln; replaces arginine 439 with glutamine.
Molecular consequence: missense variant.
Genome position (GRCh38, 1-based): chr6:30,920,355, G>A. VCF-style: chr6-30920355-G-A. GRCh37 (hg19) VCF-style: chr6-30888132-G-A.
Other names: c.896G>A, p.Arg299Gln (NM_001167733.3); c.1406G>A, p.Arg469Gln (NM_001167734.2); short protein forms R299Q, R439Q, R469Q.
Identifiers: ClinVar variation 3371586 (VCV003371586.1).